The following is an entry in ClinVar:

NM_024408.4(NOTCH2):c.629C>T (p.Pro210Leu)

Gene: NOTCH2 (notch receptor 2; minus strand). Cytogenetic location: 1p12.
Variant type: single nucleotide variant.
Coding change: c.629C>T on transcript NM_024408.4 (MANE Select); coding-DNA position 629, C replaced by T.
Protein change: p.Pro210Leu; replaces proline 210 with leucine.
Molecular consequence: missense variant.
Genome position (GRCh38, 1-based): chr1:119,997,119, G>A on the plus strand (C>T on the coding strand, the complement: NOTCH2 is on the minus strand). VCF-style: chr1-119997119-G-A. GRCh37 (hg19) VCF-style: chr1-120539742-G-A.
Other names: c.629C>T, p.Pro210Leu (NM_001200001.2); short protein forms P210L.
Identifiers: ClinVar variation 4872124 (VCV004872124.2).

ClinVar aggregate classification (germline): Likely benign (1 of 4 stars; one submission).

gnomAD v4.1: 20 of 1,614,012 alleles (0.0012%); highest among the groups gnomAD compares: East Asian, 0.025%; no homozygotes.

Submission:

CeGaT Center for Human Genetics Tuebingen
Classification: Likely benign. Last evaluated: 2026-04-01. Review status: criteria provided, single submitter. Criteria: CeGaT Center For Human Genetics Tuebingen Variant Classification Criteria Version 2. Collection method: clinical testing. Allele origin: germline. Affected: yes. Observed: 1 variant allele.
Comment: NOTCH2: BP1, BS2